The following is an entry in ClinVar:

ClinVar aggregate classification (germline): Likely pathogenic. Review status: criteria provided, multiple submitters, no conflicts (2 of 4 stars). 2 submissions from 2 submitters: Likely pathogenic (2). Last evaluated 2025-03-07.

Conditions:
ADGRV1-related disorder. Also called: ADGRV1-related condition; ADGRV1-related disorders.

gnomAD v4.1: 1 of 1,572,240 alleles (0.000064%); no homozygotes.

Submissions (2):

GeneDx
Classification: Likely pathogenic. Last evaluated: 2025-03-07. Review status: criteria provided, single submitter. Criteria: GeneDx Variant Classification Process June 2021. Collection method: clinical testing. Allele origin: germline. Affected: yes.
Comment: Canonical splice site variant predicted to result in an in-frame loss of the adjacent exon in a gene for which loss of function is a known mechanism of disease; Not observed at significant frequency in large population cohorts (gnomAD); Has not been previously published as pathogenic or benign to our knowledge

Women's Health and Genetics/Laboratory Corporation of America, LabCorp
Classification: Likely pathogenic for ADGRV1-Related Disorders. Last evaluated: 2024-11-11. Review status: criteria provided, single submitter. Criteria: LabCorp Variant Classification Summary - May 2015. Collection method: clinical testing. Allele origin: germline.
Comment: Variant summary: ADGRV1 c.17973+1G>A is located in a canonical splice-site and is predicted to affect mRNA splicing resulting in a significantly altered protein due to either exon skipping, shortening, or inclusion of intronic material. Variants that disrupt the consensus splice site are a relatively common cause of aberrant splicing and loss of ADGRV1 function. Several computational tools predict a significant impact on normal splicing: Four predict the variant abolishes a canonical 5' splicing donor site. However, these predictions have yet to be confirmed by functional studies. The variant was absent in 248120 control chromosomes. To our knowledge, no occurrence of c.17973+1G>A in individuals affected with ADGRV1-Related Disorders and no experimental evidence demonstrating its impact on protein function have been reported. No submitters have cited clinical-significance assessments for this variant to ClinVar. Based on the evidence outlined above, the variant was classified as likely pathogenic.

NM_032119.4(ADGRV1):c.17973+1G>A

Gene: ADGRV1 (adhesion G protein-coupled receptor V1; plus strand). Cytogenetic location: 5q14.3.
Variant type: single nucleotide variant.
Coding change: c.17973+1G>A on transcript NM_032119.4 (MANE Select); the canonical splice donor site of the intron after coding-DNA position 17973, G replaced by A.
Molecular consequence: splice donor variant.
Genome position (GRCh38, 1-based): chr5:90,965,532, G>A. VCF-style: chr5-90965532-G-A. GRCh37 (hg19) VCF-style: chr5-90261349-G-A.
Identifiers: ClinVar variation 3629715 (VCV003629715.2).
Genomic context (GRCh38, chr5:90,965,532, plus strand): 5'-GCTATGGCTGCTGTCACACATTACCTGTATCTTTGCCAGTTTAGCTGGATGCTCATTCAG[G>A]TTGGTACCTCATTCCCTCTCCCCGCCCCTTTAATCTTTTAATGAATCTGGGTGGAGTGGT-3'